The following is an entry in ClinVar:

ClinVar aggregate classification (germline): Uncertain significance (1 of 4 stars; one submission).

Submission:

Labcorp Genetics (formerly Invitae), Labcorp
Classification: Uncertain significance. Last evaluated: 2025-10-04. Review status: criteria provided, single submitter. Criteria: Invitae Variant Classification Sherloc (09022015). Collection method: clinical testing. Allele origin: germline.
Comment: This sequence change replaces arginine, which is basic and polar, with tryptophan, which is neutral and slightly polar, at codon 106 of the PKDCC protein (p.Arg106Trp). The frequency data for this variant in the population databases is considered unreliable, as metrics indicate insufficient coverage at this position in the gnomAD database. This variant has not been reported in the literature in individuals affected with PKDCC-related conditions. An algorithm developed to predict the effect of missense changes on protein structure and function (PolyPhen-2) suggests that this variant is likely to be tolerated. In summary, the available evidence is currently insufficient to determine the role of this variant in disease. Therefore, it has been classified as a Variant of Uncertain Significance.

NM_138370.3(PKDCC):c.316C>T (p.Arg106Trp)

Gene: PKDCC (protein kinase domain containing, cytoplasmic; plus strand). Cytogenetic location: 2p21.
Variant type: single nucleotide variant.
Coding change: c.316C>T on transcript NM_138370.3 (MANE Select); coding-DNA position 316, C replaced by T.
Protein change: p.Arg106Trp; replaces arginine 106 with tryptophan.
Molecular consequence: missense variant.
Genome position (GRCh38, 1-based): chr2:42,048,515, C>T. VCF-style: chr2-42048515-C-T. GRCh37 (hg19) VCF-style: chr2-42275655-C-T.
Other names: short protein forms R106W.
Identifiers: ClinVar variation 4698333 (VCV004698333.1).